The following is an entry in ClinVar:

NM_000722.4(CACNA2D1):c.62C>T (p.Pro21Leu)

Gene: CACNA2D1 (calcium voltage-gated channel auxiliary subunit alpha2delta 1; minus strand). Cytogenetic location: 7q21.11.
Variant type: single nucleotide variant.
Coding change: c.62C>T on transcript NM_000722.4 (MANE Select); coding-DNA position 62, C replaced by T.
Protein change: p.Pro21Leu; replaces proline 21 with leucine.
Molecular consequence: missense variant.
Genome position (GRCh38, 1-based): chr7:82,443,398, G>A on the plus strand (C>T on the coding strand, the complement: CACNA2D1 is on the minus strand). VCF-style: chr7-82443398-G-A. GRCh37 (hg19) VCF-style: chr7-82072714-G-A.
Other names: c.62C>T, p.Pro21Leu (NM_001302890.2, NM_001366867.1); short protein forms P21L.
Identifiers: ClinVar variation 2422068 (VCV002422068.6), dbSNP rs754470299, ClinGen allele CA4318504.

ClinVar aggregate classification (germline): Uncertain significance (1 of 4 stars; one submission).

Conditions:
Brugada syndrome. Also called: Sudden unexpected nocturnal death syndrome; Sudden Unexplained Death Syndrome; Sudden Unexplained Nocturnal Death Syndrome (SUNDS); Sudden unexplained nocturnal death syndrome. Identifiers: Orphanet 130, MedGen C1142166, MONDO:0015263.

Allele frequency attached by ClinVar (database versions not stated): TOPMed below 0.00001; gnomAD exomes 0.00001; ExAC 0.00004.
gnomAD v4.1: 9 of 1,605,892 alleles (0.00056%); highest among the groups gnomAD compares: East Asian, 0.011%; no homozygotes.

Submission:

Labcorp Genetics (formerly Invitae), Labcorp
Classification: Uncertain significance for Brugada syndrome. Last evaluated: 2025-02-20. Review status: criteria provided, single submitter. Criteria: Invitae Variant Classification Sherloc (09022015). Collection method: clinical testing. Allele origin: germline.
Comment: This sequence change replaces proline, which is neutral and non-polar, with leucine, which is neutral and non-polar, at codon 21 of the CACNA2D1 protein (p.Pro21Leu). This variant is present in population databases (rs754470299, gnomAD 0.02%). This variant has not been reported in the literature in individuals affected with CACNA2D1-related conditions. ClinVar contains an entry for this variant (Variation ID: 2422068). An algorithm developed to predict the effect of missense changes on protein structure and function (PolyPhen-2) suggests that this variant is likely to be tolerated. In summary, the available evidence is currently insufficient to determine the role of this variant in disease. Therefore, it has been classified as a Variant of Uncertain Significance.